The following is an entry in ClinVar:

ClinVar aggregate classification (germline): Uncertain significance. Review status: criteria provided, multiple submitters, no conflicts (2 of 4 stars). 5 submissions from 5 submitters: Uncertain significance (4). 1 of the submissions does not count toward it. Last evaluated 2025-11-28.

Conditions:
Cardiovascular phenotype. Identifiers: MedGen CN230736.
Dilated cardiomyopathy 1JJ (CMD1JJ). Identifiers: Orphanet 154, MedGen C3808935, MONDO:0014095, OMIM 615235.

Allele frequency attached by ClinVar (database versions not stated): TOPMed 0.00006.
gnomAD v4.1: 19 of 1,613,956 alleles (0.0012%); highest among the groups gnomAD compares: African/African-American, 0.0053%; no homozygotes.

Submissions (5):

Labcorp Genetics (formerly Invitae), Labcorp
Classification: Uncertain significance for Dilated cardiomyopathy 1JJ. Last evaluated: 2025-11-28. Review status: criteria provided, single submitter. Criteria: Invitae Variant Classification Sherloc (09022015). Collection method: clinical testing. Allele origin: germline.
Comment: This sequence change replaces alanine, which is neutral and non-polar, with threonine, which is neutral and polar, at codon 225 of the LAMA4 protein (p.Ala225Thr). This variant is present in population databases (rs782121531, gnomAD 0.006%). This variant has not been reported in the literature in individuals affected with LAMA4-related conditions. ClinVar contains an entry for this variant (Variation ID: 1034434). Invitae Evidence Modeling of protein sequence and biophysical properties (such as structural, functional, and spatial information, amino acid conservation, physicochemical variation, residue mobility, and thermodynamic stability) indicates that this missense variant is expected to disrupt LAMA4 protein function with a positive predictive value of 80%. In summary, the available evidence is currently insufficient to determine the role of this variant in disease. Therefore, it has been classified as a Variant of Uncertain Significance.

Ambry Genetics
Classification: Uncertain significance for Cardiovascular phenotype. Last evaluated: 2023-11-02. Review status: criteria provided, single submitter. Criteria: Ambry Variant Classification Scheme 2023. Collection method: clinical testing. Allele origin: germline.
Comment: The p.A225T variant (also known as c.673G>A), located in coding exon 5 of the LAMA4 gene, results from a G to A substitution at nucleotide position 673. The alanine at codon 225 is replaced by threonine, an amino acid with similar properties. This amino acid position is highly conserved in available vertebrate species. In addition, the in silico prediction for this alteration is inconclusive. Since supporting evidence is limited at this time, the clinical significance of this alteration remains unclear.

GeneDx
Classification: Uncertain significance. Last evaluated: 2023-03-15. Review status: criteria provided, single submitter. Criteria: GeneDx Variant Classification Process June 2021. Collection method: clinical testing. Allele origin: germline. Affected: yes.
Comment: Has not been previously published as pathogenic or benign to our knowledge; Not observed at a significant frequency in large population cohorts (gnomAD); In silico analysis supports that this missense variant has a deleterious effect on protein structure/function

Fulgent Genetics
Classification: Uncertain significance for Dilated cardiomyopathy 1JJ. Last evaluated: 2022-04-07. Review status: criteria provided, single submitter. Criteria: ACMG Guidelines, 2015. Collection method: clinical testing. Allele origin: unknown.

Department of Pathology and Laboratory Medicine, Sinai Health System
Classification: Uncertain significance. Review status: no assertion criteria provided. Collection method: clinical testing. Allele origin: unknown. Affected: yes. Study: The Canadian Open Genetics Repository (COGR). Not counted in ClinVar's aggregate classification.
Comment: The LAMA4 p.Ala225Thr variant was not identified in the literature nor was it identified in ClinVar, Cosmic or LOVD 3.0. The variant was identified in dbSNP (ID: rs782121531) and in control databases in 5 of 250794 chromosomes at a frequency of 0.00002 (Genome Aggregation Database Feb 27, 2017). The variant was observed in the following populations: Other in 1 of 6112 chromosomes (freq: 0.000164), East Asian in 1 of 18332 chromosomes (freq: 0.000055) and European (non-Finnish) in 3 of 113242 chromosomes (freq: 0.000026), while the variant was not observed in the African, Latino, Ashkenazi Jewish, European (Finnish), and South Asian populations. The p.Ala225 residue is conserved in mammals and computational analyses (PolyPhen-2, SIFT, AlignGVGD, BLOSUM, MutationTaster) provide inconsistent predictions regarding the impact to the protein; this information is not very predictive of pathogenicity. The variant occurs outside of the splicing consensus sequence and in silico or computational prediction software programs (SpliceSiteFinder, MaxEntScan, NNSPLICE, GeneSplicer) do not predict a difference in splicing. In summary, based on the above information the clinical significance of this variant cannot be determined with certainty at this time. This variant is classified as a variant of uncertain significance.

NM_001105206.3(LAMA4):c.673G>A (p.Ala225Thr)

Gene: LAMA4 (laminin subunit alpha 4; minus strand). Cytogenetic location: 6q21.
Variant type: single nucleotide variant.
Coding change: c.673G>A on transcript NM_001105206.3 (MANE Select); coding-DNA position 673, G replaced by A.
Protein change: p.Ala225Thr; replaces alanine 225 with threonine.
Molecular consequence: missense variant.
Genome position (GRCh38, 1-based): chr6:112,191,681, C>T on the plus strand (G>A on the coding strand, the complement: LAMA4 is on the minus strand). VCF-style: chr6-112191681-C-T. GRCh37 (hg19) VCF-style: chr6-112512883-C-T.
Other names: c.673G>A, p.Ala225Thr (NM_001105207.3, NM_002290.5); c.673G>A (NM_002290.4); short protein forms A225T.
Identifiers: ClinVar variation 1034434 (VCV001034434.13), dbSNP rs782121531, ClinGen allele CA3966087.